The following is an entry in ClinVar:

ClinVar aggregate classification (germline): Uncertain significance. Review status: criteria provided, multiple submitters, no conflicts (2 of 4 stars). 2 submissions from 2 submitters: Uncertain significance (2). Last evaluated 2025-10-10.

Conditions:
Hereditary cancer-predisposing syndrome. Also called: Hereditary Cancer Syndrome; Neoplastic Syndromes, Hereditary; Tumor predisposition; Hereditary neoplastic syndrome. Identifiers: Orphanet 140162, MedGen C0027672, MeSH D009386, MONDO:0015356.
Familial adenomatous polyposis 1 (FAP1). Also called: FAMILIAL ADENOMATOUS POLYPOSIS 1, ATTENUATED; POLYPOSIS, ADENOMATOUS INTESTINAL. Identifiers: MedGen C2713442, MONDO:0021056, OMIM 175100. Disease mechanism: loss of function.

Submissions (2):

Ambry Genetics
Classification: Uncertain significance for Hereditary cancer-predisposing syndrome. Last evaluated: 2025-10-10. Review status: criteria provided, single submitter. Criteria: Ambry Variant Classification Scheme 2023. Collection method: clinical testing. Allele origin: germline.
Comment: The p.H1375Y variant (also known as c.4123C>T), located in coding exon 15 of the APC gene, results from a C to T substitution at nucleotide position 4123. The histidine at codon 1375 is replaced by tyrosine, an amino acid with similar properties. This amino acid position is well conserved in available vertebrate species. In addition, in silico predictors for this gene do not accurately predict pathogenicity. Based on the available evidence, the clinical significance of this variant remains unclear.

Labcorp Genetics (formerly Invitae), Labcorp
Classification: Uncertain significance for Familial adenomatous polyposis 1. Last evaluated: 2023-05-11. Review status: criteria provided, single submitter. Criteria: Invitae Variant Classification Sherloc (09022015). Collection method: clinical testing. Allele origin: germline.
Comment: In summary, the available evidence is currently insufficient to determine the role of this variant in disease. Therefore, it has been classified as a Variant of Uncertain Significance. Advanced modeling of protein sequence and biophysical properties (such as structural, functional, and spatial information, amino acid conservation, physicochemical variation, residue mobility, and thermodynamic stability) performed at Invitae indicates that this missense variant is not expected to disrupt APC protein function. This variant has not been reported in the literature in individuals affected with APC-related conditions. This variant is not present in population databases (gnomAD no frequency). This sequence change replaces histidine, which is basic and polar, with tyrosine, which is neutral and polar, at codon 1375 of the APC protein (p.His1375Tyr).

NM_000038.6(APC):c.4123C>T (p.His1375Tyr)

Gene: APC (APC regulator of Wnt signaling pathway; plus strand). Cytogenetic location: 5q22.2.
Variant type: single nucleotide variant.
Coding change: c.4123C>T on transcript NM_000038.6 (MANE Select); coding-DNA position 4123, C replaced by T.
Protein change: p.His1375Tyr; replaces histidine 1375 with tyrosine.
Molecular consequence: missense variant. On other transcripts: non-coding transcript variant (2).
Genome position (GRCh38, 1-based): chr5:112,839,717, C>T. VCF-style: chr5-112839717-C-T. GRCh37 (hg19) VCF-style: chr5-112175414-C-T.
Other names: c.4123C>T, p.His1375Tyr (NM_001127510.3, NM_001354895.2, NM_001407450.1); c.4069C>T, p.His1357Tyr (NM_001127511.3); c.4177C>T, p.His1393Tyr (NM_001354896.2, NM_001407447.1, NM_001407448.1 and 1 more transcripts); c.4153C>T, p.His1385Tyr (NM_001354897.2); c.4048C>T, p.His1350Tyr (NM_001354898.2); c.4039C>T, p.His1347Tyr (NM_001354899.2); c.4000C>T, p.His1334Tyr (NM_001354900.2); c.3946C>T, p.His1316Tyr (NM_001354901.2, NM_001407453.1); and 12 more; short protein forms H1292Y, H1316Y, H1403Y, H1215Y, H1249Y, H1347Y, H1368Y, H991Y.
Identifiers: ClinVar variation 3010502 (VCV003010502.4), dbSNP rs2149907026, ClinGen allele CA16030362.
Genomic context (GRCh38, chr5:112,839,717, plus strand): 5'-TCTTCAGGAGCGAAATCTCCCTCCAAAAGTGGTGCTCAGACACCCAAAAGTCCACCTGAA[C>T]ACTATGTTCAGGAGACCCCACTCATGTTTAGCAGATGTACTTCTGTCAGTTCACTTGATA-3'
Protein context (NP_000029.2, residues 1365-1385): GAQTPKSPPE[His1375Tyr]YVQETPLMFS